The following is an entry in ClinVar:

ClinVar aggregate classification (germline): Benign/Likely benign. Review status: criteria provided, multiple submitters, no conflicts (2 of 4 stars). 18 submissions from 15 submitters: Benign (6); Likely benign (8). 4 of the submissions do not count toward it. Last evaluated 2026-07-01.

Conditions:
TTN-related disorder. Also called: TTN-related disorders; TTN-related condition; TTN-related disease.
Cardiovascular phenotype. Identifiers: MedGen CN230736.
Autosomal recessive limb-girdle muscular dystrophy type 2J (LGMDR10). Also called: MUSCULAR DYSTROPHY, LIMB-GIRDLE, AUTOSOMAL RECESSIVE 10; Limb-girdle muscular dystrophy, type 2J. Identifiers: Orphanet 140922, MedGen C1837342, MONDO:0012127, OMIM 608807.
Dilated cardiomyopathy 1G (CMD1G). Identifiers: Orphanet 154, MedGen C1858763, MONDO:0011400, OMIM 604145.
Early-onset myopathy with fatal cardiomyopathy (CMYO5). Also called: CONGENITAL MYOPATHY 5 WITH CARDIOMYOPATHY; Salih Myopathy. Identifiers: Orphanet 289377, MedGen C2673677, MONDO:0012714, OMIM 611705. Disease mechanism: loss of function.
Myopathy, myofibrillar, 9, with early respiratory failure (MFM9). Also called: Myopathy, distal, with early respiratory failure, autosomal dominant; Hereditary myopathy with early respiratory failure; EDSTROM MYOPATHY; MYOPATHY, PROXIMAL, WITH EARLY RESPIRATORY MUSCLE INVOLVEMENT. Identifiers: Orphanet 178464, Orphanet 34521, MedGen C1863599, MONDO:0011362, OMIM 603689.
Tibial muscular dystrophy (TMD). Also called: Tibial muscular dystrophy, tardive; Udd Distal Myopathy – Tibial Muscular Dystrophy; UDD MYOPATHY. Identifiers: Orphanet 609, MedGen C1838244, MONDO:0010870, OMIM 600334.

Allele frequency attached by ClinVar (database versions not stated): gnomAD exomes 0.00018 and 0.00012; gnomAD 0.00024 and 0.00026; ExAC 0.00009; TOPMed 0.00020.
gnomAD v4.1: 210 of 1,613,624 alleles (0.013%); highest among the groups gnomAD compares: Admixed American, 0.07%; no homozygotes.

Submissions (18):

CeGaT Center for Human Genetics Tuebingen
Classification: Likely benign. Last evaluated: 2026-07-01. Review status: criteria provided, single submitter. Criteria: CeGaT Center For Human Genetics Tuebingen Variant Classification Criteria Version 2. Collection method: clinical testing. Allele origin: germline. Affected: yes. Observed: 5 variant alleles.
Comment: TTN: BP4, BP7

Labcorp Genetics (formerly Invitae), Labcorp
Classification: Likely benign for Dilated cardiomyopathy 1G; Autosomal recessive limb-girdle muscular dystrophy type 2J. Last evaluated: 2026-01-20. Review status: criteria provided, single submitter. Criteria: Invitae Variant Classification Sherloc (09022015). Collection method: clinical testing. Allele origin: germline.

Molecular Diagnostic Laboratory for Inherited Cardiovascular Disease, Montreal Heart Institute
Classification: Likely benign. Last evaluated: 2025-04-09. Review status: criteria provided, single submitter. Criteria: ACMG Guidelines, 2015. Collection method: clinical testing. Allele origin: germline. Affected: no.

Blueprint Genetics
Classification: Likely benign. Last evaluated: 2023-11-13. Review status: criteria provided, single submitter. Criteria: ACMG Guidelines, 2015. Collection method: clinical testing. Allele origin: germline.

Women's Health and Genetics/Laboratory Corporation of America, LabCorp
Classification: Likely benign. Last evaluated: 2023-04-17. Review status: criteria provided, single submitter. Criteria: LabCorp Variant Classification Summary - May 2015. Collection method: clinical testing. Allele origin: germline.

Genome-Nilou Lab
Classification: Benign for Autosomal recessive limb-girdle muscular dystrophy type 2J. Last evaluated: 2021-09-10. Review status: criteria provided, single submitter. Criteria: ACMG Guidelines, 2015. Collection method: clinical testing. Allele origin: germline. Affected: no.

Genome-Nilou Lab
Classification: Benign for Myopathy, myofibrillar, 9, with early respiratory failure. Last evaluated: 2021-09-10. Review status: criteria provided, single submitter. Criteria: ACMG Guidelines, 2015. Collection method: clinical testing. Allele origin: germline. Affected: no.

Genome-Nilou Lab
Classification: Benign for Early-onset myopathy with fatal cardiomyopathy. Last evaluated: 2021-09-10. Review status: criteria provided, single submitter. Criteria: ACMG Guidelines, 2015. Collection method: clinical testing. Allele origin: germline. Affected: no.

Genome-Nilou Lab
Classification: Benign for Tibial muscular dystrophy. Last evaluated: 2021-09-10. Review status: criteria provided, single submitter. Criteria: ACMG Guidelines, 2015. Collection method: clinical testing. Allele origin: germline. Affected: no.

Athena Diagnostics
Classification: Benign. Last evaluated: 2021-01-27. Review status: criteria provided, single submitter. Criteria: Athena Diagnostics criteria. Collection method: clinical testing. Allele origin: unknown.

Ambry Genetics
Classification: Likely benign for Cardiovascular phenotype. Last evaluated: 2019-04-09. Review status: criteria provided, single submitter. Criteria: Ambry Variant Classification Scheme 2023. Collection method: clinical testing. Allele origin: germline.

GeneDx
Classification: Benign. Last evaluated: 2016-11-07. Review status: criteria provided, single submitter. Criteria: GeneDx Variant Classification (06012015). Collection method: clinical testing. Allele origin: germline. Affected: yes.
Comment: This variant is considered likely benign or benign based on one or more of the following criteria: it is a conservative change, it occurs at a poorly conserved position in the protein, it is predicted to be benign by multiple in silico algorithms, and/or has population frequency not consistent with disease.

Laboratory for Molecular Medicine, Mass General Brigham Personalized Medicine
Classification: Likely benign. Last evaluated: 2012-03-19. Review status: criteria provided, single submitter. Criteria: LMM Criteria. Collection method: clinical testing. Allele origin: germline. Observed: 3 variant alleles.
Comment: Gln24079Gln in exon 275 of TTN: This variant is not expected to have clinical si gnificance because it does not alter an amino acid residue and is not located wi thin the splice consensus sequence. It has been identified in 0.3% (1/368) of ch romosomes from a population in the dbSNP database (rojects/SNP; dbSNP rs72648208). Gln24079Gln in exon 275 of TTN (rs72648208; all ele frequency = 0.3%, 1/368) **

Breakthrough Genomics
Classification: Likely benign. Review status: criteria provided, single submitter. Criteria: ACMG Guidelines, 2015. Collection method: not provided. Allele origin: germline. Inheritance: Autosomal recessive inheritance. Affected: yes.

PreventionGenetics, part of Exact Sciences
Classification: Likely benign for TTN-related condition. Last evaluated: 2019-03-13. Review status: no assertion criteria provided. Collection method: clinical testing. Allele origin: germline. Not counted in ClinVar's aggregate classification.
Comment: This variant is classified as likely benign based on ACMG/AMP sequence variant interpretation guidelines (Richards et al. 2015 PMID: 25741868, with internal and published modifications).

Clinical Genetics DNA and cytogenetics Diagnostics Lab, Erasmus MC, Erasmus Medical Center
Classification: Likely benign. Review status: no assertion criteria provided. Collection method: clinical testing. Allele origin: germline. Affected: yes. Study: VKGL Data-share Consensus. Not counted in ClinVar's aggregate classification.

Clinical Genetics, Academic Medical Center
Classification: Benign. Review status: no assertion criteria provided. Collection method: clinical testing. Allele origin: germline. Affected: yes. Study: VKGL Data-share Consensus. Not counted in ClinVar's aggregate classification.

Joint Genome Diagnostic Labs from Nijmegen and Maastricht, Radboudumc and MUMC+
Classification: Likely benign. Review status: no assertion criteria provided. Collection method: clinical testing. Allele origin: germline. Affected: yes. Study: VKGL Data-share Consensus. Not counted in ClinVar's aggregate classification.

NM_001267550.2(TTN):c.79941A>G (p.Gln26647=)

Genes: TTN-AS1 (TTN antisense RNA 1; plus strand), TTN (titin; minus strand). Cytogenetic location: 2q31.2.
Variant type: single nucleotide variant.
Coding change: c.79941A>G on transcript NM_001267550.2 (MANE Select); coding-DNA position 79941, A replaced by G.
Protein change: p.Gln26647=; no amino-acid change (glutamine 26647 retained).
Molecular consequence: synonymous variant.
Genome position (GRCh38, 1-based): chr2:178,566,191, T>C on the plus strand (A>G on the coding strand, the complement: TTN is on the minus strand). VCF-style: chr2-178566191-T-C. GRCh37 (hg19) VCF-style: chr2-179430918-T-C.
Other names: c.75018A>G, p.Gln25006= (NM_001256850.1); c.72237A>G, p.Gln24079= (NM_133378.4); c.52746A>G, p.Gln17582= (NM_003319.4); c.53121A>G, p.Gln17707= (NM_133432.3); c.53322A>G, p.Gln17774= (NM_133437.4); c.79941A>G (NM_001267550.1).
Identifiers: ClinVar variation 47383 (VCV000047383.59), dbSNP rs72648208, ClinGen allele CA140844.